The following is an entry in ClinVar:

ClinVar aggregate classification (germline): Uncertain significance (1 of 4 stars; one submission).

Conditions:
Juvenile polyposis syndrome (JPS). Identifiers: Orphanet 2929, MedGen C0345893, MONDO:0017380, OMIM 174900.

Submission:

Labcorp Genetics (formerly Invitae), Labcorp
Classification: Uncertain significance for Juvenile polyposis syndrome. Last evaluated: 2019-08-29. Review status: criteria provided, single submitter. Criteria: Invitae Variant Classification Sherloc (09022015). Collection method: clinical testing. Allele origin: germline.
Comment: In summary, the available evidence is currently insufficient to determine the role of this variant in disease. Therefore, it has been classified as a Variant of Uncertain Significance. Algorithms developed to predict the effect of sequence changes on RNA splicing suggest that this variant may create or strengthen a splice site, but this prediction has not been confirmed by published transcriptional studies. This variant has been reported to affect SMAD4 protein function (PMID: 28827661). This variant has not been reported in the literature in individuals with SMAD4-related conditions. This variant is not present in population databases (ExAC no frequency). This sequence change replaces lysine with arginine at codon 428 of the SMAD4 protein (p.Lys428Arg). The lysine residue is highly conserved and there is a small physicochemical difference between lysine and arginine.

Literature cited by the submitters: PubMed 28827661.

NM_005359.6(SMAD4):c.1283A>G (p.Lys428Arg)

Gene: SMAD4 (SMAD family member 4; plus strand). Cytogenetic location: 18q21.2.
Variant type: single nucleotide variant.
Coding change: c.1283A>G on transcript NM_005359.6 (MANE Select); coding-DNA position 1283, A replaced by G.
Protein change: p.Lys428Arg; replaces lysine 428 with arginine.
Molecular consequence: missense variant.
Genome position (GRCh38, 1-based): chr18:51,067,162, A>G. VCF-style: chr18-51067162-A-G. GRCh37 (hg19) VCF-style: chr18-48593532-A-G.
Other names: short protein forms K428R.
Identifiers: ClinVar variation 936874 (VCV000936874.9), dbSNP rs1555686620, ClinGen allele CA402465027.
Genomic context (GRCh38, chr18:51,067,162, plus strand): 5'-TTGTACAGAGTTACTACTTAGACAGAGAAGCTGGGCGTGCACCTGGAGATGCTGTTCATA[A>G]GATCTACCCAAGTGCATATATAAAGGTTAGTTACAATTTTATTTGAATATTTTAGACTTA-3'
Protein context (NP_005350.1, residues 418-438): AGRAPGDAVH[Lys428Arg]IYPSAYIKVF